The following is an entry in ClinVar:

ClinVar aggregate classification (germline): Likely pathogenic (1 of 4 stars; one submission).

Submission:

Labcorp Genetics (formerly Invitae), Labcorp
Classification: Likely pathogenic. Last evaluated: 2022-12-15. Review status: criteria provided, single submitter. Criteria: Invitae Variant Classification Sherloc (09022015). Collection method: clinical testing. Allele origin: germline.
Comment: This sequence change replaces phenylalanine, which is neutral and non-polar, with isoleucine, which is neutral and non-polar, at codon 686 of the ABCC8 protein (p.Phe686Ile). This variant disrupts the p.Phe686 amino acid residue in ABCC8. Other variant(s) that disrupt this residue have been determined to be pathogenic (PMID: 14715863, 16357843). This suggests that this residue is clinically significant, and that variants that disrupt this residue are likely to be disease-causing. Advanced modeling of protein sequence and biophysical properties (such as structural, functional, and spatial information, amino acid conservation, physicochemical variation, residue mobility, and thermodynamic stability) performed at Invitae indicates that this missense variant is expected to disrupt ABCC8 protein function. This variant has not been reported in the literature in individuals affected with ABCC8-related conditions. This variant is not present in population databases (gnomAD no frequency). In summary, the currently available evidence indicates that the variant is pathogenic, but additional data are needed to prove that conclusively. Therefore, this variant has been classified as Likely Pathogenic.

Literature cited by the submitters: PubMed 14715863; PubMed 16357843.

NM_000352.6(ABCC8):c.2056T>A (p.Phe686Ile)

Gene: ABCC8 (ATP binding cassette subfamily C member 8; minus strand). Cytogenetic location: 11p15.1.
Variant type: single nucleotide variant.
Coding change: c.2056T>A on transcript NM_000352.6 (MANE Select); coding-DNA position 2056, T replaced by A.
Protein change: p.Phe686Ile; replaces phenylalanine 686 with isoleucine.
Molecular consequence: missense variant. On other transcripts: non-coding transcript variant (1).
Genome position (GRCh38, 1-based): chr11:17,427,927, A>T on the plus strand (T>A on the coding strand, the complement: ABCC8 is on the minus strand). VCF-style: chr11-17427927-A-T. GRCh37 (hg19) VCF-style: chr11-17449474-A-T.
Other names: c.2056T>A, p.Phe686Ile (NM_001287174.3); c.2122T>A, p.Phe708Ile (NM_001351295.2); c.2053T>A, p.Phe685Ile (NM_001351296.2, NM_001351297.2); short protein forms F686I, F708I, F685I.
Identifiers: ClinVar variation 2735551 (VCV002735551.3), dbSNP rs2496663699, ClinGen allele CA379814922.